The following is an entry in ClinVar:

NM_001114753.3(ENG):c.1808G>C (p.Gly603Ala)

Gene: ENG (endoglin; minus strand). Cytogenetic location: 9q34.11.
Variant type: single nucleotide variant.
Coding change: c.1808G>C on transcript NM_001114753.3 (MANE Select); coding-DNA position 1808, G replaced by C.
Protein change: p.Gly603Ala; replaces glycine 603 with alanine.
Molecular consequence: missense variant.
Genome position (GRCh38, 1-based): chr9:127,815,987, C>G on the plus strand (G>C on the coding strand, the complement: ENG is on the minus strand). VCF-style: chr9-127815987-C-G. GRCh37 (hg19) VCF-style: chr9-130578266-C-G.
Other names: c.1808G>C, p.Gly603Ala (NM_000118.4); c.1262G>C, p.Gly421Ala (NM_001278138.2); short protein forms G421A, G603A.
Identifiers: ClinVar variation 4843441 (VCV004843441.1).
Genomic context (GRCh38, chr9:127,815,987, plus strand): 5'-GGCCTGGGGTACTCACGCGTGTGCGAGTAGATGTACCAGAGTGCAGCAGTGAGCAGGGCC[C>G]CGATGAGGAAGGCACCAAAGGTGATGCCCAGCACGGCGGGCAGGACGAGGCCTTTGCTTG-3'
Protein context (NP_001108225.1, residues 593-613): LGITFGAFLI[Gly603Ala]ALLTAALWYI

ClinVar aggregate classification (germline): Uncertain significance (1 of 4 stars; one submission).

Conditions:
Cardiovascular phenotype. Identifiers: MedGen CN230736.

gnomAD v4.1: 2 of 1,608,348 alleles (0.00012%); highest among the groups gnomAD compares: Non-Finnish European, 0.00017%; no homozygotes.

Submission:

Ambry Genetics
Classification: Uncertain significance for Cardiovascular phenotype. Last evaluated: 2025-12-29. Review status: criteria provided, single submitter. Criteria: Ambry Variant Classification Scheme 2023. Collection method: clinical testing. Allele origin: germline.
Comment: The p.G603A variant (also known as c.1808G>C), located in coding exon 14 of the ENG gene, results from a G to C substitution at nucleotide position 1808. The glycine at codon 603 is replaced by alanine, an amino acid with similar properties. This amino acid position is conserved. In addition, this alteration is predicted to be deleterious by in silico analysis. Based on the available evidence, the clinical significance of this variant remains unclear.